The following is an entry in ClinVar:

NM_000520.6(HEXA):c.524A>G (p.Asp175Gly)

Gene: HEXA (hexosaminidase subunit alpha; minus strand). Cytogenetic location: 15q23.
Variant type: single nucleotide variant.
Coding change: c.524A>G on transcript NM_000520.6 (MANE Select); coding-DNA position 524, A replaced by G.
Protein change: p.Asp175Gly; replaces aspartic acid 175 with glycine.
Molecular consequence: missense variant. On other transcripts: non-coding transcript variant (1).
Genome position (GRCh38, 1-based): chr15:72,353,114, T>C on the plus strand (A>G on the coding strand, the complement: HEXA is on the minus strand). VCF-style: chr15-72353114-T-C. GRCh37 (hg19) VCF-style: chr15-72645455-T-C.
Other names: c.557A>G, p.Asp186Gly (NM_001318825.2); short protein forms D175G, D186G.
Identifiers: ClinVar variation 1969204 (VCV001969204.2), dbSNP rs1057519460, ClinGen allele CA393064805.

ClinVar aggregate classification (germline): Uncertain significance (1 of 4 stars; one submission).

Conditions:
Tay-Sachs disease (TSD). Also called: HEXA Disorders; HEXA DEFICIENCY; GM2 gangliosidosis, type 1; Hexosaminidase alpha-subunit deficiency (variant B); Sphingolipidosis, Tay-Sachs; Hexosaminidase A Deficiency. Identifiers: Orphanet 845, MedGen C0039373, MONDO:0010100, OMIM 272800.

Submission:

Labcorp Genetics (formerly Invitae), Labcorp
Classification: Uncertain significance for Tay-Sachs disease. Last evaluated: 2022-05-30. Review status: criteria provided, single submitter. Criteria: Invitae Variant Classification Sherloc (09022015). Collection method: clinical testing. Allele origin: germline.
Comment: This sequence change replaces aspartic acid, which is acidic and polar, with glycine, which is neutral and non-polar, at codon 175 of the HEXA protein (p.Asp175Gly). This variant is not present in population databases (gnomAD no frequency). This variant has not been reported in the literature in individuals affected with HEXA-related conditions. Algorithms developed to predict the effect of missense changes on protein structure and function (SIFT, PolyPhen-2, Align-GVGD) all suggest that this variant is likely to be disruptive. Algorithms developed to predict the effect of sequence changes on RNA splicing suggest that this variant may disrupt the consensus splice site. In summary, the available evidence is currently insufficient to determine the role of this variant in disease. Therefore, it has been classified as a Variant of Uncertain Significance.